The following is an entry in ClinVar:

NM_001797.4(CDH11):c.1943T>G (p.Leu648Arg)

Gene: CDH11 (cadherin 11; minus strand). Cytogenetic location: 16q21.
Variant type: single nucleotide variant.
Coding change: c.1943T>G on transcript NM_001797.4 (MANE Select); coding-DNA position 1943, T replaced by G.
Protein change: p.Leu648Arg; replaces leucine 648 with arginine.
Molecular consequence: missense variant. On other transcripts: 3 prime UTR variant (1).
Genome position (GRCh38, 1-based): chr16:64,948,051, A>C on the plus strand (T>G on the coding strand, the complement: CDH11 is on the minus strand). VCF-style: chr16-64948051-A-C. GRCh37 (hg19) VCF-style: chr16-64981954-A-C.
Other names: c.*40T>G (NM_001308392.2); c.1565T>G, p.Leu522Arg (NM_001330576.2); short protein forms L522R, L648R.
Identifiers: ClinVar variation 3376072 (VCV003376072.1).
Genomic context (GRCh38, chr16:64,948,051, plus strand): 5'-CCCCCTTCATCATCATAAGTAATGATGTTCTCACGGACATCTTCTTCCTCAAAGACAATG[A>C]GTGGTTCTTTCTTTTGCCTTCTCAGGGTCACAAACAATACTACAATGACTGGAGGGAAAG-3'
Protein context (NP_001788.2, residues 638-658): VTLRRQKKEP[Leu648Arg]IVFEEEDVRE

ClinVar aggregate classification (germline): Uncertain significance (1 of 4 stars; one submission).

Submission:

GeneDx
Classification: Uncertain significance. Last evaluated: 2024-05-09. Review status: criteria provided, single submitter. Criteria: GeneDx Variant Classification Process June 2021. Collection method: clinical testing. Allele origin: germline. Affected: yes.
Comment: Not observed at significant frequency in large population cohorts (gnomAD); In silico analysis supports that this missense variant has a deleterious effect on protein structure/function; Has not been previously published as pathogenic or benign to our knowledge